The following is an entry in ClinVar:

ClinVar aggregate classification (germline): Benign/Likely benign. Review status: criteria provided, multiple submitters, no conflicts (2 of 4 stars). 4 submissions from 4 submitters: Benign (1); Likely benign (2). 1 of the submissions does not count toward it. Last evaluated 2026-07-01.

Conditions:
ZNF341-related disorder. Also called: ZNF341-related condition.

Allele frequency attached by ClinVar (database versions not stated): TOPMed 0.00130; gnomAD 0.00151 and 0.00158; 1000 Genomes Project 30x 0.00156; gnomAD exomes 0.00163 and 0.00211; 1000 Genomes Project 0.00180; ESP Exome Variant Server 0.00192; ExAC 0.00207.
gnomAD v4.1: 3,278 of 1,614,070 alleles (0.2%); highest among the groups gnomAD compares: South Asian, 0.26%; 8 homozygotes.

Submissions (4):

CeGaT Center for Human Genetics Tuebingen
Classification: Likely benign. Last evaluated: 2026-07-01. Review status: criteria provided, single submitter. Criteria: CeGaT Center For Human Genetics Tuebingen Variant Classification Criteria Version 2. Collection method: clinical testing. Allele origin: germline. Affected: yes. Observed: 1 variant allele.
Comment: ZNF341: BP4, BP7

Labcorp Genetics (formerly Invitae), Labcorp
Classification: Benign. Last evaluated: 2026-02-01. Review status: criteria provided, single submitter. Criteria: Invitae Variant Classification Sherloc (09022015). Collection method: clinical testing. Allele origin: germline.

Blueprint Genetics
Classification: Likely benign. Last evaluated: 2024-10-25. Review status: criteria provided, single submitter. Criteria: ACMG Guidelines, 2015. Collection method: clinical testing. Allele origin: germline.

PreventionGenetics, part of Exact Sciences
Classification: Likely benign for ZNF341-related condition. Last evaluated: 2019-05-01. Review status: no assertion criteria provided. Collection method: clinical testing. Allele origin: germline. Not counted in ClinVar's aggregate classification.
Comment: This variant is classified as likely benign based on ACMG/AMP sequence variant interpretation guidelines (Richards et al. 2015 PMID: 25741868, with internal and published modifications).

NM_001282933.2(ZNF341):c.1542G>A (p.Ser514=)

Gene: ZNF341 (zinc finger protein 341; plus strand). Cytogenetic location: 20q11.22.
Variant type: single nucleotide variant.
Coding change: c.1542G>A on transcript NM_001282933.2 (MANE Select); coding-DNA position 1542, G replaced by A.
Protein change: p.Ser514=; no amino-acid change (serine 514 retained).
Molecular consequence: synonymous variant. On other transcripts: non-coding transcript variant (1).
Genome position (GRCh38, 1-based): chr20:33,770,212, G>A. VCF-style: chr20-33770212-G-A. GRCh37 (hg19) VCF-style: chr20-32358018-G-A.
Other names: c.1542G>A (NM_001282933.1); c.1272G>A, p.Ser424= (NM_001282935.2); c.1521G>A, p.Ser507= (NM_032819.5).
Identifiers: ClinVar variation 1169665 (VCV001169665.13), dbSNP rs148932241, ClinGen allele CA9819470.